The following is an entry in ClinVar:

ClinVar aggregate classification (germline): Uncertain significance. Review status: criteria provided, single submitter (1 of 4 stars). 2 submissions from 2 submitters: Uncertain significance (1). 1 of the submissions does not count toward it. Last evaluated 2018-03-27.

Conditions:
TJP2-related disorder. Also called: TJP2-related condition.

Allele frequency attached by ClinVar (database versions not stated): gnomAD exomes 0.00001; TOPMed 0.00002; gnomAD 0.00001.
gnomAD v4.1: 9 of 1,536,978 alleles (0.00059%); highest among the groups gnomAD compares: East Asian, 0.0024%; no homozygotes.

Submissions (2):

Eurofins Ntd Llc (ga)
Classification: Uncertain significance. Last evaluated: 2018-03-27. Review status: criteria provided, single submitter. Criteria: EGL ClinVar v180209 classification definitions. Collection method: clinical testing. Allele origin: germline. Observed: 1 variant allele, 1 heterozygote.

PreventionGenetics, part of Exact Sciences
Classification: Likely benign for TJP2-related condition. Last evaluated: 2021-04-17. Review status: no assertion criteria provided. Collection method: clinical testing. Allele origin: germline. Not counted in ClinVar's aggregate classification.
Comment: This variant is classified as likely benign based on ACMG/AMP sequence variant interpretation guidelines (Richards et al. 2015 PMID: 25741868, with internal and published modifications).

NM_004817.4(TJP2):c.61-7267A>G

Gene: TJP2 (tight junction protein 2; plus strand). Cytogenetic location: 9q21.11.
Variant type: single nucleotide variant.
Coding change: c.61-7267A>G on transcript NM_004817.4 (MANE Select); 7267 bases into the intron before coding-DNA position 61, A replaced by G.
Molecular consequence: intron variant. On other transcripts: synonymous variant (1).
Genome position (GRCh38, 1-based): chr9:69,205,281, A>G. VCF-style: chr9-69205281-A-G. GRCh37 (hg19) VCF-style: chr9-71820197-A-G.
Other names: c.61-7267A>G (LRG_1201t1, NM_201629.3, NM_001369872.1 and 1 more transcripts); c.120A>G, p.Ser40= (NM_001170416.2); c.-9-7267A>G (NM_001170414.2, NM_001369870.1, NM_001369871.1); c.72+48A>G (NM_001170415.1, NM_001369875.1, NM_001369874.1); c.120A>G (NM_001170416.1).
Identifiers: ClinVar variation 596651 (VCV000596651.7), dbSNP rs896087137, ClinGen allele CA193339414.